The following is an entry in ClinVar:

NM_016366.3(CABP2):c.336C>T (p.Tyr112=)

Gene: CABP2 (calcium binding protein 2; minus strand). Cytogenetic location: 11q13.2.
Variant type: single nucleotide variant.
Coding change: c.336C>T on transcript NM_016366.3 (MANE Select); coding-DNA position 336, C replaced by T.
Protein change: p.Tyr112=; no amino-acid change (tyrosine 112 retained).
Molecular consequence: synonymous variant.
Genome position (GRCh38, 1-based): chr11:67,521,068, G>A on the plus strand (C>T on the coding strand, the complement: CABP2 is on the minus strand). VCF-style: chr11-67521068-G-A. GRCh37 (hg19) VCF-style: chr11-67288539-G-A.
Other names: c.354C>T, p.Tyr118= (NM_001318496.2); c.336C>T (NM_016366.2).
Identifiers: ClinVar variation 3707157 (VCV003707157.4).

ClinVar aggregate classification (germline): Conflicting classifications of pathogenicity. Review status: criteria provided, conflicting classifications (1 of 4 stars). 3 submissions from 3 submitters: Uncertain significance (1); Likely benign (2). Last evaluated 2025-08-07.

Submissions (3):

GeneDx
Classification: Uncertain significance. Last evaluated: 2025-08-07. Review status: criteria provided, single submitter. Criteria: GeneDx Variant Classification Process June 2021. Collection method: clinical testing. Allele origin: germline. Affected: yes.
Comment: In silico analysis suggests that this variant does not alter splicing; Has not been previously published as pathogenic or benign to our knowledge

Labcorp Genetics (formerly Invitae), Labcorp
Classification: Likely benign. Last evaluated: 2024-06-21. Review status: criteria provided, single submitter. Criteria: Invitae Variant Classification Sherloc (09022015). Collection method: clinical testing. Allele origin: germline.

Blueprint Genetics
Classification: Likely benign. Last evaluated: 2023-06-27. Review status: criteria provided, single submitter. Criteria: ACMG Guidelines, 2015. Collection method: clinical testing. Allele origin: germline.